The following is an entry in ClinVar:

ClinVar aggregate classification (germline): Uncertain significance (1 of 4 stars; one submission).

Submission:

Labcorp Genetics (formerly Invitae), Labcorp
Classification: Uncertain significance. Last evaluated: 2024-01-17. Review status: criteria provided, single submitter. Criteria: Invitae Variant Classification Sherloc (09022015). Collection method: clinical testing. Allele origin: germline.
Comment: This sequence change replaces arginine, which is basic and polar, with proline, which is neutral and non-polar, at codon 270 of the DGKZ protein (p.Arg270Pro). This variant is not present in population databases (gnomAD no frequency). This variant has not been reported in the literature in individuals affected with DGKZ-related conditions. ClinVar contains an entry for this variant (Variation ID: 1466122). An algorithm developed to predict the effect of missense changes on protein structure and function (PolyPhen-2) suggests that this variant is likely to be tolerated. In summary, the available evidence is currently insufficient to determine the role of this variant in disease. Therefore, it has been classified as a Variant of Uncertain Significance.

NM_001199267.2(DGKZ):c.242G>C (p.Arg81Pro)

Gene: DGKZ (diacylglycerol kinase zeta; plus strand). Cytogenetic location: 11p11.2.
Variant type: single nucleotide variant.
Coding change: c.242G>C on transcript NM_001199267.2 (MANE Select); coding-DNA position 242, G replaced by C.
Protein change: p.Arg81Pro; replaces arginine 81 with proline.
Molecular consequence: missense variant.
Genome position (GRCh38, 1-based): chr11:46,367,371, G>C. VCF-style: chr11-46367371-G-C. GRCh37 (hg19) VCF-style: chr11-46388921-G-C.
Other names: c.257G>C, p.Arg86Pro (NM_201533.3); c.809G>C, p.Arg270Pro (NM_001105540.2); c.242G>C, p.Arg81Pro (NM_001199266.2, NM_001199268.2, NM_003646.4); c.293G>C, p.Arg98Pro (NM_201532.3); short protein forms R270P, R86P, R81P, R98P.
Identifiers: ClinVar variation 1466122 (VCV001466122.8), dbSNP rs763578474, ClinGen allele CA380212933.